The following is an entry in ClinVar:

ClinVar aggregate classification (germline): Conflicting classifications of pathogenicity. Review status: criteria provided, conflicting classifications (1 of 4 stars). 3 submissions from 3 submitters: Likely pathogenic (2); Uncertain significance (1). Last evaluated 2025-03-26.

Conditions:
PRPH2-related disorder. Also called: PRPH2-related condition; PRPH2-related disorders. Identifiers: MedGen CN239395.

Submissions (3):

3billion
Classification: Likely pathogenic for PRPH2-related disorder. Last evaluated: 2025-03-26. Review status: criteria provided, single submitter. Criteria: ACMG Guidelines, 2015. Collection method: clinical testing. Allele origin: germline. Affected: yes.

Blueprint Genetics
Classification: Uncertain significance. Last evaluated: 2023-06-14. Review status: criteria provided, single submitter. Criteria: ACMG Guidelines, 2015. Collection method: clinical testing. Allele origin: germline.

Labcorp Genetics (formerly Invitae), Labcorp
Classification: Likely pathogenic for PRPH2-related disorder. Last evaluated: 2023-03-09. Review status: criteria provided, single submitter. Criteria: Invitae Variant Classification Sherloc (09022015). Collection method: clinical testing. Allele origin: germline.
Comment: This sequence change replaces alanine, which is neutral and non-polar, with threonine, which is neutral and polar, at codon 232 of the PRPH2 protein (p.Ala232Thr). This variant is not present in population databases (gnomAD no frequency). This missense change has been observed in individual(s) with retinal dystrophy (Invitae). Advanced modeling of protein sequence and biophysical properties (such as structural, functional, and spatial information, amino acid conservation, physicochemical variation, residue mobility, and thermodynamic stability) performed at Invitae indicates that this missense variant is expected to disrupt PRPH2 protein function. This variant disrupts the p.Ala232 amino acid residue in PRPH2. Other variant(s) that disrupt this residue have been observed in individuals with PRPH2-related conditions (PMID: 32037395; Invitae), which suggests that this may be a clinically significant amino acid residue. In summary, the currently available evidence indicates that the variant is pathogenic, but additional data are needed to prove that conclusively. Therefore, this variant has been classified as Likely Pathogenic.

Literature cited by the submitters: PubMed 32037395 (cited by 3billion and Labcorp Genetics (formerly Invitae), Labcorp).

NM_000322.5(PRPH2):c.694G>A (p.Ala232Thr)

Gene: PRPH2 (peripherin 2; minus strand). Cytogenetic location: 6p21.1.
Variant type: single nucleotide variant.
Coding change: c.694G>A on transcript NM_000322.5 (MANE Select); coding-DNA position 694, G replaced by A.
Protein change: p.Ala232Thr; replaces alanine 232 with threonine.
Molecular consequence: missense variant.
Genome position (GRCh38, 1-based): chr6:42,704,499, C>T on the plus strand (G>A on the coding strand, the complement: PRPH2 is on the minus strand). VCF-style: chr6-42704499-C-T. GRCh37 (hg19) VCF-style: chr6-42672237-C-T.
Other names: short protein forms A232T.
Identifiers: ClinVar variation 2844611 (VCV002844611.5), dbSNP rs2548300768, ClinGen allele CA364135281.